The following is an entry in ClinVar:

NM_000404.4(GLB1):c.914+4A>G

Gene: GLB1 (galactosidase beta 1; minus strand). Cytogenetic location: 3p22.3.
Variant type: single nucleotide variant.
Coding change: c.914+4A>G on transcript NM_000404.4 (MANE Select); 4 bases into the intron after coding-DNA position 914, A replaced by G.
Molecular consequence: intron variant.
Genome position (GRCh38, 1-based): chr3:33,051,879, T>C on the plus strand (A>G on the coding strand, the complement: GLB1 is on the minus strand). VCF-style: chr3-33051879-T-C. GRCh37 (hg19) VCF-style: chr3-33093371-T-C.
Other names: c.914+4A>G (NM_001393580.1); c.521+4A>G (NM_001135602.3); c.1058+4A>G (NM_001317040.2); c.824+4A>G (NM_001079811.3).
Identifiers: ClinVar variation 3384079 (VCV003384079.1).

ClinVar aggregate classification (germline): Likely pathogenic (1 of 4 stars; one submission).

Conditions:
GM1 gangliosidosis. Identifiers: Orphanet 354, MedGen C0085131, MONDO:0018149.

Submission:

Dubai Health Genomic Medicine Center, Dubai Health
Classification: Likely pathogenic for GM1-gangliosidosis. Last evaluated: 2024-10-04. Review status: criteria provided, single submitter. Criteria: ACMG Guidelines, 2015. Collection method: research. Allele origin: germline. Affected: yes.
Comment: PP1,PM3(moderate),PM2,PP3